The following is an entry in ClinVar:

NM_001036.6(RYR3):c.2747A>C (p.Lys916Thr)

Gene: RYR3 (ryanodine receptor 3; plus strand). Cytogenetic location: 15q14.
Variant type: single nucleotide variant.
Coding change: c.2747A>C on transcript NM_001036.6 (MANE Select); coding-DNA position 2747, A replaced by C.
Protein change: p.Lys916Thr; replaces lysine 916 with threonine.
Molecular consequence: missense variant.
Genome position (GRCh38, 1-based): chr15:33,630,007, A>C. VCF-style: chr15-33630007-A-C. GRCh37 (hg19) VCF-style: chr15-33922208-A-C.
Other names: c.2747A>C, p.Lys916Thr (NM_001243996.4); short protein forms K916T.
Identifiers: ClinVar variation 779819 (VCV000779819.11), dbSNP rs191573523, ClinGen allele CA7458519.
Genomic context (GRCh38, chr15:33,630,007, plus strand): 5'-ATGACAATAAAAGACAACACCCTTGCCTTGTGGAGTTTTCAAAGCTCCCAGAAACTGAGA[A>C]GAACTATAACCTGCAAATGTCAACTGAAACCTTAAAGTGAGTATTTAATTGAGCTGAAGT-3'
Protein context (NP_001027.3, residues 906-926): VEFSKLPETE[Lys916Thr]NYNLQMSTET

ClinVar aggregate classification (germline): Conflicting classifications of pathogenicity. Review status: criteria provided, conflicting classifications (1 of 4 stars). 2 submissions from 2 submitters: Uncertain significance (1); Likely benign (1). Last evaluated 2026-02-27.

Conditions:
Congenital portosystemic shunt. Identifiers: Orphanet 480531, MedGen C1290495, MONDO:0018811.
Epileptic encephalopathy. Identifiers: MedGen C0543888, HP:0200134.

Allele frequency attached by ClinVar (database versions not stated): gnomAD 0.00008 and 0.00002; 1000 Genomes Project 30x 0.00047; gnomAD exomes 0.00024 and 0.00012; 1000 Genomes Project 0.00060; TOPMed 0.00036; ExAC 0.00038.
gnomAD v4.1: 190 of 1,605,994 alleles (0.012%); highest among the groups gnomAD compares: East Asian, 0.41%; 2 homozygotes.

Submissions (2):

Department of Pediatrics, Graduate School of Medical Sciences, Kyushu University
Classification: Uncertain significance for Congenital portosystemic shunt. Last evaluated: 2026-02-27. Review status: criteria provided, single submitter. Criteria: ACMG Guidelines, 2015. Collection method: research. Allele origin: germline. Affected: yes.
Comment: The variant is rare in population databases including gnomAD, and in silico prediction tools such as CADD suggest a deleterious effect on protein function. However, the relationship between this gene and CPSS has not been established. Therefore, this variant is classified as a variant of uncertain significance (VUS).

Labcorp Genetics (formerly Invitae), Labcorp
Classification: Likely benign for Epileptic encephalopathy. Last evaluated: 2025-06-16. Review status: criteria provided, single submitter. Criteria: Invitae Variant Classification Sherloc (09022015). Collection method: clinical testing. Allele origin: germline.